The following is an entry in ClinVar:

NM_002202.3(ISL1):c.123A>G (p.Ala41=)

Gene: ISL1 (ISL LIM homeobox 1; plus strand). Cytogenetic location: 5q11.1.
Variant type: single nucleotide variant.
Coding change: c.123A>G on transcript NM_002202.3 (MANE Select); coding-DNA position 123, A replaced by G.
Protein change: p.Ala41=; no amino-acid change (alanine 41 retained).
Molecular consequence: synonymous variant.
Genome position (GRCh38, 1-based): chr5:51,384,635, A>G. VCF-style: chr5-51384635-A-G. GRCh37 (hg19) VCF-style: chr5-50680469-A-G.
Identifiers: ClinVar variation 4988896 (VCV004988896.1).

ClinVar aggregate classification (germline): Likely benign (1 of 4 stars; one submission).

Conditions:
ISL1-related disorder. Also called: ISL1-related condition.

gnomAD v4.1: 2 of 1,614,156 alleles (0.00012%); highest among the groups gnomAD compares: South Asian, 0.0022%; no homozygotes.

Submission:

PreventionGenetics, part of Exact Sciences
Classification: Likely benign for ISL1-related condition. Last evaluated: 2024-11-23. Review status: criteria provided, single submitter. Criteria: ACMG Guidelines, 2015. Collection method: clinical testing. Allele origin: germline.
Comment: This variant is classified as likely benign based on ACMG/AMP sequence variant interpretation guidelines (Richards et al. 2015 PMID: 25741868, with internal and published modifications).